The following is an entry in ClinVar:

NM_025077.4(TOE1):c.1189C>A (p.Gln397Lys)

Gene: TOE1 (target of EGR1, exonuclease; plus strand). Cytogenetic location: 1p34.1.
Variant type: single nucleotide variant.
Coding change: c.1189C>A on transcript NM_025077.4 (MANE Select); coding-DNA position 1189, C replaced by A.
Protein change: p.Gln397Lys; replaces glutamine 397 with lysine.
Molecular consequence: missense variant.
Genome position (GRCh38, 1-based): chr1:45,343,358, C>A. VCF-style: chr1-45343358-C-A. GRCh37 (hg19) VCF-style: chr1-45809030-C-A.
Other names: short protein forms Q397K.
Identifiers: ClinVar variation 2120235 (VCV002120235.4), dbSNP rs1261690303, ClinGen allele CA340141562.
Genomic context (GRCh38, chr1:45,343,358, plus strand): 5'-CCTGAAGAAACCGAGCAGGAGGTGGCTGCCGATGAAACTAGGAACCTGCCTCACTCCAAG[C>A]AAGGCAACAAAAATGACTTAGAGATGGGGATTAAGGCAGCAAGGCCTGAAATAGCTGATA-3'
Protein context (NP_079353.3, residues 387-407): DETRNLPHSK[Gln397Lys]GNKNDLEMGI

ClinVar aggregate classification (germline): Uncertain significance (1 of 4 stars; one submission).

Submission:

Labcorp Genetics (formerly Invitae), Labcorp
Classification: Uncertain significance. Last evaluated: 2024-01-24. Review status: criteria provided, single submitter. Criteria: Invitae Variant Classification Sherloc (09022015). Collection method: clinical testing. Allele origin: germline.
Comment: This sequence change replaces glutamine, which is neutral and polar, with lysine, which is basic and polar, at codon 397 of the TOE1 protein (p.Gln397Lys). This variant is not present in population databases (gnomAD no frequency). This variant has not been reported in the literature in individuals affected with TOE1-related conditions. ClinVar contains an entry for this variant (Variation ID: 2120235). Advanced modeling of protein sequence and biophysical properties (such as structural, functional, and spatial information, amino acid conservation, physicochemical variation, residue mobility, and thermodynamic stability) performed at Invitae indicates that this missense variant is not expected to disrupt TOE1 protein function with a negative predictive value of 80%. In summary, the available evidence is currently insufficient to determine the role of this variant in disease. Therefore, it has been classified as a Variant of Uncertain Significance.